The following is an entry in ClinVar:

NM_024685.4(BBS10):c.424G>A (p.Asp142Asn)

Gene: BBS10 (Bardet-Biedl syndrome 10; minus strand). Cytogenetic location: 12q21.2.
Variant type: single nucleotide variant.
Coding change: c.424G>A on transcript NM_024685.4 (MANE Select); coding-DNA position 424, G replaced by A.
Protein change: p.Asp142Asn; replaces aspartic acid 142 with asparagine.
Molecular consequence: missense variant.
Genome position (GRCh38, 1-based): chr12:76,347,561, C>T on the plus strand (G>A on the coding strand, the complement: BBS10 is on the minus strand). VCF-style: chr12-76347561-C-T. GRCh37 (hg19) VCF-style: chr12-76741341-C-T.
Other names: c.424G>A, p.Asp142Asn (LRG_1255t1); short protein forms D142N.
Identifiers: ClinVar variation 35752 (VCV000035752.63), dbSNP rs142863601, ClinGen allele CA179770.

ClinVar aggregate classification (germline): Benign/Likely benign. Review status: criteria provided, multiple submitters, no conflicts (2 of 4 stars). 15 submissions from 15 submitters: Benign (7); Likely benign (6). 2 of the submissions do not count toward it. Last evaluated 2026-09-01.

Conditions:
Bardet-Biedl syndrome (BBS). Identifiers: Orphanet 110, MedGen C0752166, MONDO:0015229.
Bardet-Biedl syndrome 1 (BBS1). Identifiers: MedGen C2936862, MONDO:0008854, OMIM 209900. Disease mechanism: loss of function.
Bardet-Biedl syndrome 10 (BBS10). Identifiers: Orphanet 110, MedGen C1859568, MONDO:0014438, OMIM 615987.

Allele frequency attached by ClinVar (database versions not stated): 1000 Genomes Project 30x 0.00312; TOPMed 0.00735; ESP Exome Variant Server 0.00792; 1000 Genomes Project 0.00280; gnomAD exomes 0.00731; gnomAD 0.00709 and 0.00738; ExAC 0.00837.
gnomAD v4.1: 16,206 of 1,613,632 alleles (1%); highest among the groups gnomAD compares: Non-Finnish European, 1.2%; 109 homozygotes.

Submissions (15):

CeGaT Center for Human Genetics Tuebingen
Classification: Benign. Last evaluated: 2026-09-01. Review status: criteria provided, single submitter. Criteria: CeGaT Center For Human Genetics Tuebingen Variant Classification Criteria Version 2. Collection method: clinical testing. Allele origin: germline. Affected: yes. Observed: 11 variant alleles.
Comment: BBS10: BS1, BS2

Labcorp Genetics (formerly Invitae), Labcorp
Classification: Benign for Bardet-Biedl syndrome. Last evaluated: 2026-02-04. Review status: criteria provided, single submitter. Criteria: Invitae Variant Classification Sherloc (09022015). Collection method: clinical testing. Allele origin: germline.

Blueprint Genetics
Classification: Likely benign. Last evaluated: 2024-11-26. Review status: criteria provided, single submitter. Criteria: ACMG Guidelines, 2015. Collection method: clinical testing. Allele origin: germline.

Fulgent Genetics
Classification: Likely benign for Bardet-Biedl syndrome 10. Last evaluated: 2021-07-20. Review status: criteria provided, single submitter. Criteria: ACMG Guidelines, 2015. Collection method: clinical testing. Allele origin: unknown.

Genetic Services Laboratory, University of Chicago
Classification: Benign. Last evaluated: 2018-02-21. Review status: criteria provided, single submitter. Criteria: ACMG Guidelines, 2015. Collection method: clinical testing. Allele origin: germline. Affected: no.

Women's Health and Genetics/Laboratory Corporation of America, LabCorp
Classification: Benign. Last evaluated: 2017-06-23. Review status: criteria provided, single submitter. Criteria: LabCorp Variant Classification Summary - May 2015. Collection method: clinical testing. Allele origin: germline.
Comment: Variant summary: The c.424G>A (p.Asp142Asn) in BBS10 gene is a missense change that involves a mildly conserved nucleotide and 3/4 in silico tools predict deleterious outcome. In In vivo experiments D142N was able to rescue the morphant phenotype similarly to the WT and was classified as "Benign" change (Zaghloul, 2010) (BS3). The variant was found in the large and broad cohorts of ExAC project at an allele frequency of 0.0083 (1005/120074 chrs tested), predominantly in individuals of European ancestry (0.0133; 878/65994, including 7/9 homozygotes). This observed frequencies exceed the maximal expected allele frequency of a disease causing BBS10 allele (0.0013) (BS1). It is not clear, whether c.424G>A was contributing to the clinical presentation of the patient or whether the real causal mutation may have been missed (Feuillan, 2011). In addition, the possibility of the variant being a modifier or a partner in a â€œtriallelic inheritanceâ€ cannot be completely ruled out. The variant was identified in Joubert Syndrome (JS) patient who carried two causative mutations in TME231 and was proposed to be a potential modifier. Lastly, the variant of interest has been reported as â€œLikely Benign/Benignâ€ by reputable databases/clinical laboratories (BP6). Taking together, by applying ACMG guidelines the variant was classified as Benign.

Illumina Laboratory Services, Illumina
Classification: Likely benign for Bardet-Biedl syndrome 10. Last evaluated: 2017-04-27. Review status: criteria provided, single submitter. Criteria: ICSL Variant Classification Criteria 13 December 2019. Collection method: clinical testing. Allele origin: germline.
Comment: This variant was observed as part of a predisposition screen in an ostensibly healthy population. A literature search was performed for the gene, cDNA change, and amino acid change (where applicable). Publications were found based on this search. The evidence from the literature, in combination with allele frequency data from public databases where available, was sufficient to determine this variant is unlikely to cause disease. Therefore, this variant is classified as likely benign.

Genome Diagnostics Laboratory, Amsterdam University Medical Center
Classification: Benign for Bardet-Biedl syndrome 1. Last evaluated: 2017-04-19. Review status: criteria provided, single submitter. Criteria: ACGS Guidelines, 2013. Collection method: clinical testing. Allele origin: germline. Affected: yes. Study: VKGL Data-share Consensus.

Center for Pediatric Genomic Medicine, Children's Mercy Hospital and Clinics
Classification: Likely benign. Last evaluated: 2016-04-22. Review status: criteria provided, single submitter. Criteria: ACMG Guidelines, 2015. Collection method: clinical testing. Allele origin: germline.
ClinVar note: Converted during submission from Likely Benign to Likely benign.

Genome Diagnostics Laboratory, University Medical Center Utrecht
Classification: Benign for Bardet-Biedl syndrome 1. Last evaluated: 2014-12-11. Review status: criteria provided, single submitter. Criteria: ACGS Guidelines, 2013. Collection method: clinical testing. Allele origin: germline. Affected: yes. Study: VKGL Data-share Consensus.

Eurofins Ntd Llc (ga)
Classification: Benign. Last evaluated: 2014-01-30. Review status: criteria provided, single submitter. Criteria: EGL Classification Definitions 2015. Collection method: clinical testing. Allele origin: germline. Observed: 1 variant allele, 1 heterozygote.

Breakthrough Genomics
Classification: Likely benign. Review status: criteria provided, single submitter. Criteria: ACMG Guidelines, 2015. Collection method: not provided. Allele origin: germline. Inheritance: Autosomal recessive inheritance. Affected: yes.

PreventionGenetics, part of Exact Sciences
Classification: Likely benign. Review status: criteria provided, single submitter. Criteria: ACMG Guidelines, 2015. Collection method: clinical testing. Allele origin: germline.

Natera, Inc.
Classification: Likely benign for Bardet-Biedl syndrome type 10. Last evaluated: 2019-11-14. Review status: no assertion criteria provided. Collection method: clinical testing. Allele origin: germline. Not counted in ClinVar's aggregate classification.

Joint Genome Diagnostic Labs from Nijmegen and Maastricht, Radboudumc and MUMC+
Classification: Benign. Review status: no assertion criteria provided. Collection method: clinical testing. Allele origin: germline. Affected: yes. Study: VKGL Data-share Consensus. Not counted in ClinVar's aggregate classification.

Literature cited by the submitters: PubMed 21209035 (cited by Women's Health and Genetics/Laboratory Corporation of America, LabCorp and Illumina Laboratory Services, Illumina); PubMed 27449316 (cited by Women's Health and Genetics/Laboratory Corporation of America, LabCorp); PubMed 20498079 (cited by Women's Health and Genetics/Laboratory Corporation of America, LabCorp and Illumina Laboratory Services, Illumina).